The following is an entry in ClinVar:

NM_000233.4(LHCGR):c.50_55dup (p.Gln18_Pro19insLeuGln)

Genes: LHCGR (luteinizing hormone/choriogonadotropin receptor; minus strand), STON1-GTF2A1L (STON1-GTF2A1L readthrough; plus strand). Cytogenetic location: 2p16.3.
Variant type: Duplication.
Coding change: c.50_55dup on transcript NM_000233.4 (MANE Select); coding-DNA positions 50 to 55, 6 bases duplicated (TGCAGC; older notation c.50_55dupTGCAGC).
Protein change: p.Gln18_Pro19insLeuGln.
Molecular consequence: inframe insertion. On other transcripts: intron variant (1).
Genome position (GRCh38, 1-based): chr2:48,755,617-48,755,622, GCTGCA duplicated on the plus strand (TGCAGC on the coding strand, the reverse complement: LHCGR is on the minus strand); duplicating any 6 consecutive bases within chr2:48,755,617-48,755,624 gives the same sequence; the c. name uses the placement nearest the transcript's 3' end. VCF-style (leftmost placement, unchanged base first): chr2-48755616-G-GGCTGCA. GRCh37 (hg19) VCF-style: chr2-48982755-G-GGCTGCA.
Other names: LHCGR, LEU-GLN INS, CODON 19-20; c.3442-20661_3442-20656dup (NM_001198593.2).
Identifiers: ClinVar variation 336471 (VCV000336471.17), dbSNP rs71245621, ClinGen allele CA1653491.

ClinVar aggregate classification (germline): Benign. Review status: criteria provided, multiple submitters, no conflicts (2 of 4 stars). 5 submissions from 5 submitters: Benign (4). 1 of the submissions does not count toward it. Last evaluated 2026-02-03.

Conditions:
Luteinizing hormone/choriogonadotropin receptor, lq variant.

Submissions (5):

Labcorp Genetics (formerly Invitae), Labcorp
Classification: Benign. Last evaluated: 2026-02-03. Review status: criteria provided, single submitter. Criteria: Invitae Variant Classification Sherloc (09022015). Collection method: clinical testing. Allele origin: germline.

Athena Diagnostics
Classification: Benign. Last evaluated: 2017-07-26. Review status: criteria provided, single submitter. Criteria: Athena Diagnostics Criteria. Collection method: clinical testing. Allele origin: germline.

GeneDx
Classification: Benign. Last evaluated: 2017-07-24. Review status: criteria provided, single submitter. Criteria: GeneDx Variant Classification (06012015). Collection method: clinical testing. Allele origin: germline. Affected: yes.
Comment: This variant is considered likely benign or benign based on one or more of the following criteria: it is a conservative change, it occurs at a poorly conserved position in the protein, it is predicted to be benign by multiple in silico algorithms, and/or has population frequency not consistent with disease.

Eurofins Ntd Llc (ga)
Classification: Benign. Last evaluated: 2016-08-23. Review status: criteria provided, single submitter. Criteria: EGL Classification Definitions. Collection method: clinical testing. Allele origin: germline. Observed: 2 variant alleles, 2 heterozygotes.

OMIM
Classification: Pathogenic for LUTEINIZING HORMONE/CHORIOGONADOTROPIN RECEPTOR, LQ VARIANT. Last evaluated: 2003-04-01. Review status: no assertion criteria provided. Collection method: literature only. Allele origin: germline. Not counted in ClinVar's aggregate classification.

Literature cited by the submitters: PubMed 2244890 (cited by OMIM); PubMed 7556872 (cited by OMIM); PubMed 9851790 (cited by OMIM); PubMed 12679452 (cited by OMIM).